The following is an entry in ClinVar:

ClinVar aggregate classification (germline): Benign. Review status: criteria provided, multiple submitters, no conflicts (2 of 4 stars). 3 submissions from 3 submitters: Benign (3). Last evaluated 2023-11-12.

Allele frequency attached by ClinVar (database versions not stated): 1000 Genomes Project 30x 0.07245; 1000 Genomes Project 0.07348; TOPMed 0.10240; ESP Exome Variant Server 0.10349; gnomAD 0.10528 and 0.10539; ExAC 0.11984.
gnomAD v4.1: 213,766 of 1,582,890 alleles (14%); highest among the groups gnomAD compares: Middle Eastern, 18%; 15,785 homozygotes.

Submissions (3):

Unidad de Genómica Garrahan, Hospital de Pediatría Garrahan
Classification: Benign. Last evaluated: 2023-11-12. Review status: criteria provided, single submitter. Criteria: ACMG Guidelines, 2015. Collection method: clinical testing. Allele origin: germline. Affected: no. Observed: 34 variant alleles.
Comment: This variant is classified as Benign based on local population frequency. This variant was detected in 35% of patients studied by a panel of primary immunodeficiencies. Number of patients: 34. Only high quality variants are reported.

GeneDx
Classification: Benign. Last evaluated: 2018-06-14. Review status: criteria provided, single submitter. Criteria: GeneDx Variant Classification (06012015). Collection method: clinical testing. Allele origin: germline. Affected: yes.
Comment: This variant is considered likely benign or benign based on one or more of the following criteria: it is a conservative change, it occurs at a poorly conserved position in the protein, it is predicted to be benign by multiple in silico algorithms, and/or has population frequency not consistent with disease.

Breakthrough Genomics
Classification: Benign. Review status: criteria provided, single submitter. Criteria: ACMG Guidelines, 2015. Collection method: not provided. Allele origin: germline. Inheritance: Autosomal recessive inheritance. Affected: yes.

NM_203447.4(DOCK8):c.1798-31A>G

Gene: DOCK8 (dedicator of cytokinesis 8; plus strand). Cytogenetic location: 9p24.3.
Variant type: single nucleotide variant.
Coding change: c.1798-31A>G on transcript NM_203447.4 (MANE Select); 31 bases into the intron before coding-DNA position 1798, A replaced by G.
Molecular consequence: intron variant.
Genome position (GRCh38, 1-based): chr9:370,199, A>G. VCF-style: chr9-370199-A-G. GRCh37 (hg19) VCF-style: chr9-370199-A-G.
Other names: c.1594-31A>G (NM_001193536.2, NM_001190458.2).
Identifiers: ClinVar variation 673272 (VCV000673272.4), dbSNP rs12156499, ClinGen allele CA4957943.